The following is an entry in ClinVar:

ClinVar aggregate classification (germline): Benign. Review status: criteria provided, multiple submitters, no conflicts (2 of 4 stars). 6 submissions from 6 submitters: Benign (5). 1 of the submissions does not count toward it. Last evaluated 2026-02-03.

Conditions:
Branched-chain keto acid dehydrogenase kinase deficiency (BCKDKD). Also called: BCKDK DEFICIENCY. Identifiers: Orphanet 308410, MedGen C3554078, MONDO:0013970, OMIM 614923.

Allele frequency attached by ClinVar (database versions not stated): ExAC 0.38031; gnomAD exomes 0.39148; gnomAD 0.30943 and 0.31521; 1000 Genomes Project 0.35923; ESP Exome Variant Server 0.30291; TOPMed 0.32073; 1000 Genomes Project 30x 0.34697.
gnomAD v4.1: 587,284 of 1,613,534 alleles (36%); highest among the groups gnomAD compares: East Asian, 90%; 118,648 homozygotes.

Submissions (6):

Labcorp Genetics (formerly Invitae), Labcorp
Classification: Benign for Branched-chain keto acid dehydrogenase kinase deficiency. Last evaluated: 2026-02-03. Review status: criteria provided, single submitter. Criteria: Invitae Variant Classification Sherloc (09022015). Collection method: clinical testing. Allele origin: germline.

Mayo Clinic Laboratories, Mayo Clinic
Classification: Benign. Last evaluated: 2021-10-03. Review status: criteria provided, single submitter. Criteria: ACMG Guidelines, 2015. Collection method: clinical testing. Allele origin: germline. Observed: 378 variant alleles.

GeneDx
Classification: Benign. Last evaluated: 2021-06-09. Review status: criteria provided, single submitter. Criteria: GeneDx Variant Classification Process June 2021. Collection method: clinical testing. Allele origin: germline. Affected: yes.

Breakthrough Genomics
Classification: Benign. Review status: criteria provided, single submitter. Criteria: ACMG Guidelines, 2015. Collection method: not provided. Allele origin: germline. Inheritance: Unknown mechanism. Affected: yes.

PreventionGenetics, part of Exact Sciences
Classification: Benign. Review status: criteria provided, single submitter. Criteria: ACMG Guidelines, 2015. Collection method: clinical testing. Allele origin: germline.

Genetic Services Laboratory, University of Chicago
Classification: Likely benign for AllHighlyPenetrant. Review status: no assertion criteria provided. Collection method: clinical testing. Allele origin: germline. Inheritance: Autosomal recessive inheritance. Not counted in ClinVar's aggregate classification.
Comment: Likely benign based on allele frequency in 1000 Genomes Project or ESP global frequency and its presence in a patient with a rare or unrelated disease phenotype. NOT Sanger confirmed.

NM_005881.4(BCKDK):c.615G>A (p.Thr205=)

Gene: BCKDK (branched chain keto acid dehydrogenase kinase; plus strand). Cytogenetic location: 16p11.2.
Variant type: single nucleotide variant.
Coding change: c.615G>A on transcript NM_005881.4 (MANE Select); coding-DNA position 615, G replaced by A.
Protein change: p.Thr205=; no amino-acid change (threonine 205 retained).
Molecular consequence: synonymous variant.
Genome position (GRCh38, 1-based): chr16:31,110,472, G>A. VCF-style: chr16-31110472-G-A. GRCh37 (hg19) VCF-style: chr16-31121793-G-A.
Other names: p.Thr205=; c.615G>A, p.Thr205= (NM_001122957.4, NM_001271926.3).
Identifiers: ClinVar variation 128521 (VCV000128521.19), dbSNP rs14235, ClinGen allele CA152028.
Genomic context (GRCh38, chr16:31,110,472, plus strand): 5'-CGTCCGCTACTTCTTGGACAAGACGCTGACTTCGAGGCTTGGAATCCGCATGTTGGCCAC[G>A]CATCACCTGGCGCTGCATGAGGACAAGGTGGGGCTCTGGGACCTGAGACCCACCTGGGAA-3'
Protein context (NP_005872.2, residues 195-215): TSRLGIRMLA[Thr205=]HHLALHEDKP